The following is an entry in ClinVar:

NM_000094.4(COL7A1):c.7272+3G>A

Gene: COL7A1 (collagen type VII alpha 1 chain; minus strand). Cytogenetic location: 3p21.31.
Variant type: single nucleotide variant.
Coding change: c.7272+3G>A on transcript NM_000094.4 (MANE Select); 3 bases into the intron after coding-DNA position 7272, G replaced by A.
Molecular consequence: intron variant.
Genome position (GRCh38, 1-based): chr3:48,570,858, C>T on the plus strand (G>A on the coding strand, the complement: COL7A1 is on the minus strand). VCF-style: chr3-48570858-C-T. GRCh37 (hg19) VCF-style: chr3-48608291-C-T.
Identifiers: ClinVar variation 4732966 (VCV004732966.1).
Genomic context (GRCh38, chr3:48,570,858, plus strand): 5'-AGGGCCCCCTCCTCACCCACCATGGATTCACCATGCCCCTACATGCTGTTCCCAGCCCCT[C>T]ACCCGCTCTCCACTAGGGCCTGGCTGACCCATCTCTCCTCGAGGGCCTGTCTGACCCGGG-3'

ClinVar aggregate classification (germline): Uncertain significance (1 of 4 stars; one submission).

gnomAD v4.1: 5 of 1,608,584 alleles (0.00031%); highest among the groups gnomAD compares: Non-Finnish European, 0.00042%; no homozygotes.

Submission:

Labcorp Genetics (formerly Invitae), Labcorp
Classification: Uncertain significance. Last evaluated: 2025-05-18. Review status: criteria provided, single submitter. Criteria: Invitae Variant Classification Sherloc (09022015). Collection method: clinical testing. Allele origin: germline.
Comment: This sequence change falls in intron 94 of the COL7A1 gene. It does not directly change the encoded amino acid sequence of the COL7A1 protein. It affects a nucleotide within the consensus splice site. This variant is present in population databases (no rsID available, gnomAD 0.0009%). This variant has not been reported in the literature in individuals affected with COL7A1-related conditions. Variants that disrupt the consensus splice site are a relatively common cause of aberrant splicing (PMID: 17576681, 9536098). Algorithms developed to predict the effect of sequence changes on RNA splicing suggest that this variant is not likely to affect RNA splicing. In summary, the available evidence is currently insufficient to determine the role of this variant in disease. Therefore, it has been classified as a Variant of Uncertain Significance.

Literature cited by the submitters: PubMed 17576681; PubMed 9536098.